The following is an entry in ClinVar:

NM_004656.4(BAP1):c.1788C>G (p.Ser596Arg)

Gene: BAP1 (BRCA1 associated deubiquitinase 1; minus strand). Cytogenetic location: 3p21.1.
Variant type: single nucleotide variant.
Coding change: c.1788C>G on transcript NM_004656.4 (MANE Select); coding-DNA position 1788, C replaced by G.
Protein change: p.Ser596Arg; replaces serine 596 with arginine.
Molecular consequence: missense variant.
Genome position (GRCh38, 1-based): chr3:52,403,240, G>C on the plus strand (C>G on the coding strand, the complement: BAP1 is on the minus strand). VCF-style: chr3-52403240-G-C. GRCh37 (hg19) VCF-style: chr3-52437256-G-C.
Other names: c.1734C>G, p.Ser578Arg (NM_001410772.1); short protein forms S578R, S596R.
Identifiers: ClinVar variation 2975840 (VCV002975840.3), dbSNP rs2153226488, ClinGen allele CA353098850.

ClinVar aggregate classification (germline): Uncertain significance (1 of 4 stars; one submission).

Conditions:
BAP1-related tumor predisposition syndrome (TPDS1). Also called: Tumor susceptibility linked to germline BAP1 mutations; COMMON Syndrome; BAP1 tumor predisposition syndrome; TUMOR PREDISPOSITION SYNDROME 1. Identifiers: Orphanet 289539, MedGen C3280492, MONDO:0013692, OMIM 614327.

Submission:

Labcorp Genetics (formerly Invitae), Labcorp
Classification: Uncertain significance for BAP1-related tumor predisposition syndrome. Last evaluated: 2023-04-06. Review status: criteria provided, single submitter. Criteria: Invitae Variant Classification Sherloc (09022015). Collection method: clinical testing. Allele origin: germline.
Comment: This variant has not been reported in the literature in individuals affected with BAP1-related conditions. Advanced modeling of protein sequence and biophysical properties (such as structural, functional, and spatial information, amino acid conservation, physicochemical variation, residue mobility, and thermodynamic stability) performed at Invitae indicates that this missense variant is not expected to disrupt BAP1 protein function. In summary, the available evidence is currently insufficient to determine the role of this variant in disease. Therefore, it has been classified as a Variant of Uncertain Significance. This variant is not present in population databases (gnomAD no frequency). This sequence change replaces serine, which is neutral and polar, with arginine, which is basic and polar, at codon 596 of the BAP1 protein (p.Ser596Arg).